The following is an entry in ClinVar:

NM_001009944.3(PKD1):c.1247A>T (p.Asn416Ile)

Gene: PKD1 (polycystin 1, transient receptor potential channel interacting; minus strand). Cytogenetic location: 16p13.3.
Variant type: single nucleotide variant.
Coding change: c.1247A>T on transcript NM_001009944.3 (MANE Select); coding-DNA position 1247, A replaced by T.
Protein change: p.Asn416Ile; replaces asparagine 416 with isoleucine.
Molecular consequence: missense variant.
Genome position (GRCh38, 1-based): chr16:2,117,627, T>A on the plus strand (A>T on the coding strand, the complement: PKD1 is on the minus strand). VCF-style: chr16-2117627-T-A. GRCh37 (hg19) VCF-style: chr16-2167628-T-A.
Other names: c.1247A>T, p.Asn416Ile (NM_000296.4); short protein forms N416I.
Identifiers: ClinVar variation 2634338 (VCV002634338.2), dbSNP rs2544876338, ClinGen allele CA394392773.

ClinVar aggregate classification (germline): Uncertain significance (0 of 4 stars; one submission).

Conditions:
PKD1-related disorder. Also called: PKD1-related condition.

Submission:

PreventionGenetics, part of Exact Sciences
Classification: Uncertain significance for PKD1-related condition. Last evaluated: 2024-03-20. Review status: no assertion criteria provided. Collection method: clinical testing. Allele origin: germline.
Comment: The PKD1 c.1247A>T variant is predicted to result in the amino acid substitution p.Asn416Ile. To our knowledge, this variant has not been reported in the literature or in a large population database, indicating this variant is rare. At this time, the clinical significance of this variant is uncertain due to the absence of conclusive functional and genetic evidence.